The following is an entry in ClinVar:

NM_000256.3(MYBPC3):c.497T>G (p.Val166Gly)

Gene: MYBPC3 (myosin binding protein C3; minus strand). Cytogenetic location: 11p11.2.
Variant type: single nucleotide variant.
Coding change: c.497T>G on transcript NM_000256.3 (MANE Select); coding-DNA position 497, T replaced by G.
Protein change: p.Val166Gly; replaces valine 166 with glycine.
Molecular consequence: missense variant.
Genome position (GRCh38, 1-based): chr11:47,350,022, A>C on the plus strand (T>G on the coding strand, the complement: MYBPC3 is on the minus strand). VCF-style: chr11-47350022-A-C. GRCh37 (hg19) VCF-style: chr11-47371573-A-C.
Other names: c.497T>G, p.Val166Gly (LRG_386t1); short protein forms V166G.
Identifiers: ClinVar variation 235021 (VCV000235021.9), dbSNP rs876661366, ClinGen allele CA10581164.

ClinVar aggregate classification (germline): Uncertain significance. Review status: criteria provided, multiple submitters, no conflicts (2 of 4 stars). 3 submissions from 3 submitters: Uncertain significance (3). Last evaluated 2022-11-07.

Conditions:
Cardiovascular phenotype. Identifiers: MedGen CN230736.
Hypertrophic cardiomyopathy. Also called: HYPERTROPHIC MYOCARDIOPATHY. Identifiers: Orphanet 217569, MedGen C0007194, MeSH D002312, MONDO:0005045, HP:0001639.

Submissions (3):

Ambry Genetics
Classification: Uncertain significance for Cardiovascular phenotype. Last evaluated: 2022-11-07. Review status: criteria provided, single submitter. Criteria: Ambry Variant Classification Scheme 2023. Collection method: clinical testing. Allele origin: germline.
Comment: The p.V166G variant (also known as c.497T>G), located in coding exon 4 of the MYBPC3 gene, results from a T to G substitution at nucleotide position 497. The valine at codon 166 is replaced by glycine, an amino acid with dissimilar properties. This alteration has been reported in a hypertrophic cardiomyopathy (HCM) cohort (Ho CY et al. Circulation, 2018 10;138:1387-1398). This amino acid position is well conserved in available vertebrate species. In addition, this alteration is predicted to be deleterious by in silico analysis. Since supporting evidence is limited at this time, the clinical significance of this alteration remains unclear.

Labcorp Genetics (formerly Invitae), Labcorp
Classification: Uncertain significance for Hypertrophic cardiomyopathy. Last evaluated: 2021-10-21. Review status: criteria provided, single submitter. Criteria: Invitae Variant Classification Sherloc (09022015). Collection method: clinical testing. Allele origin: germline.
Comment: This missense change has been observed in individual(s) with hypertrophic cardiomyopathy (PMID: 30297972). This variant is not present in population databases (gnomAD no frequency). This sequence change replaces valine, which is neutral and non-polar, with glycine, which is neutral and non-polar, at codon 166 of the MYBPC3 protein (p.Val166Gly). ClinVar contains an entry for this variant (Variation ID: 235021). In summary, the available evidence is currently insufficient to determine the role of this variant in disease. Therefore, it has been classified as a Variant of Uncertain Significance. Algorithms developed to predict the effect of missense changes on protein structure and function (SIFT, PolyPhen-2, Align-GVGD) all suggest that this variant is likely to be disruptive.

Stanford Center for Inherited Cardiovascular Disease, Stanford University
Classification: Uncertain significance. Last evaluated: 2013-03-08. Review status: criteria provided, single submitter. Criteria: ACMG Guidelines, 2015. Collection method: provider interpretation. Allele origin: germline.

Literature cited by the submitters: PubMed 30297972 (cited by Ambry Genetics and Labcorp Genetics (formerly Invitae), Labcorp).